The following is an entry in ClinVar:

ClinVar aggregate classification (germline): Likely benign. Review status: criteria provided, multiple submitters, no conflicts (2 of 4 stars). 2 submissions from 2 submitters: Likely benign (2). Last evaluated 2024-07-01.

Allele frequency attached by ClinVar (database versions not stated): gnomAD 0.00001; gnomAD exomes 0.00002; TOPMed 0.00002.
gnomAD v4.1: 10 of 1,236,196 alleles (0.00081%); highest among the groups gnomAD compares: South Asian, 0.009%; no homozygotes.

Submissions (2):

CeGaT Center for Human Genetics Tuebingen
Classification: Likely benign. Last evaluated: 2024-07-01. Review status: criteria provided, single submitter. Criteria: CeGaT Center For Human Genetics Tuebingen Variant Classification Criteria Version 2. Collection method: clinical testing. Allele origin: germline. Affected: yes. Observed: 1 variant allele.
Comment: GRIN2D: BP4, BP7

Labcorp Genetics (formerly Invitae), Labcorp
Classification: Likely benign. Last evaluated: 2024-05-07. Review status: criteria provided, single submitter. Criteria: Invitae Variant Classification Sherloc (09022015). Collection method: clinical testing. Allele origin: germline.

NM_000836.4(GRIN2D):c.210C>A (p.Gly70=)

Gene: GRIN2D (glutamate ionotropic receptor NMDA type subunit 2D; plus strand). Cytogenetic location: 19q13.33.
Variant type: single nucleotide variant.
Coding change: c.210C>A on transcript NM_000836.4 (MANE Select); coding-DNA position 210, C replaced by A.
Protein change: p.Gly70=; no amino-acid change (glycine 70 retained).
Molecular consequence: synonymous variant.
Genome position (GRCh38, 1-based): chr19:48,398,602, C>A. VCF-style: chr19-48398602-C-A. GRCh37 (hg19) VCF-style: chr19-48901859-C-A.
Identifiers: ClinVar variation 1956702 (VCV001956702.22), dbSNP rs1268536086, ClinGen allele CA508037547.